The following is an entry in ClinVar:

NM_015693.4(INTU):c.1904T>C (p.Leu635Pro)

Gene: INTU (inturned planar cell polarity protein; plus strand). Cytogenetic location: 4q28.1.
Variant type: single nucleotide variant.
Coding change: c.1904T>C on transcript NM_015693.4 (MANE Select); coding-DNA position 1904, T replaced by C.
Protein change: p.Leu635Pro; replaces leucine 635 with proline.
Molecular consequence: missense variant.
Genome position (GRCh38, 1-based): chr4:127,706,602, T>C. VCF-style: chr4-127706602-T-C. GRCh37 (hg19) VCF-style: chr4-128627757-T-C.
Other names: short protein forms L635P.
Identifiers: ClinVar variation 2996990 (VCV002996990.3), dbSNP rs911112499, ClinGen allele CA105639913.

ClinVar aggregate classification (germline): Uncertain significance (1 of 4 stars; one submission).

Allele frequency attached by ClinVar (database versions not stated): gnomAD 0.00001; gnomAD exomes 0.00001; TOPMed 0.00002.
gnomAD v4.1: 12 of 1,613,990 alleles (0.00074%); highest among the groups gnomAD compares: Non-Finnish European, 0.00059%; no homozygotes.

Submission:

Labcorp Genetics (formerly Invitae), Labcorp
Classification: Uncertain significance. Last evaluated: 2024-04-04. Review status: criteria provided, single submitter. Criteria: Invitae Variant Classification Sherloc (09022015). Collection method: clinical testing. Allele origin: germline.
Comment: This sequence change replaces leucine, which is neutral and non-polar, with proline, which is neutral and non-polar, at codon 635 of the INTU protein (p.Leu635Pro). This variant is present in population databases (no rsID available, gnomAD 0.01%). This variant has not been reported in the literature in individuals affected with INTU-related conditions. Advanced modeling of protein sequence and biophysical properties (such as structural, functional, and spatial information, amino acid conservation, physicochemical variation, residue mobility, and thermodynamic stability) performed at Invitae indicates that this missense variant is expected to disrupt INTU protein function with a positive predictive value of 80%. In summary, the available evidence is currently insufficient to determine the role of this variant in disease. Therefore, it has been classified as a Variant of Uncertain Significance.